The following is an entry in ClinVar:

NM_002641.4(PIGA):c.289A>C (p.Met97Leu)

Gene: PIGA (phosphatidylinositol glycan anchor biosynthesis class A; minus strand). Cytogenetic location: Xp22.2.
Variant type: single nucleotide variant.
Coding change: c.289A>C on transcript NM_002641.4 (MANE Select); coding-DNA position 289, A replaced by C.
Protein change: p.Met97Leu; replaces methionine 97 with leucine.
Molecular consequence: missense variant. On other transcripts: non-coding transcript variant (1), intron variant (1).
Genome position (GRCh38, 1-based): chrX:15,331,642, T>G on the plus strand (A>C on the coding strand, the complement: PIGA is on the minus strand). VCF-style: chrX-15331642-T-G. GRCh37 (hg19) VCF-style: chrX-15349764-T-G.
Other names: c.13+3859A>C (NM_020473.3); short protein forms M97L.
Identifiers: ClinVar variation 2825151 (VCV002825151.3), dbSNP rs2519331761, ClinGen allele CA412340722.

ClinVar aggregate classification (germline): Uncertain significance (1 of 4 stars; one submission).

Conditions:
Multiple congenital anomalies-hypotonia-seizures syndrome 2 (MCAHS2). Also called: GLYCOSYLPHOSPHATIDYLINOSITOL BIOSYNTHESIS DEFECT 4; EPILEPTIC ENCEPHALOPATHY, EARLY INFANTILE, 20. Identifiers: Orphanet 300496, MedGen C3275508, MONDO:0010466, OMIM 300868.

Submission:

Labcorp Genetics (formerly Invitae), Labcorp
Classification: Uncertain significance for Multiple congenital anomalies-hypotonia-seizures syndrome 2. Last evaluated: 2022-12-31. Review status: criteria provided, single submitter. Criteria: Invitae Variant Classification Sherloc (09022015). Collection method: clinical testing. Allele origin: germline.
Comment: In summary, the available evidence is currently insufficient to determine the role of this variant in disease. Therefore, it has been classified as a Variant of Uncertain Significance. Advanced modeling of protein sequence and biophysical properties (such as structural, functional, and spatial information, amino acid conservation, physicochemical variation, residue mobility, and thermodynamic stability) performed at Invitae indicates that this missense variant is not expected to disrupt PIGA protein function. This variant has not been reported in the literature in individuals affected with PIGA-related conditions. This variant is not present in population databases (gnomAD no frequency). This sequence change replaces methionine, which is neutral and non-polar, with leucine, which is neutral and non-polar, at codon 97 of the PIGA protein (p.Met97Leu).